The following is an entry in ClinVar:

ClinVar aggregate classification (germline): Pathogenic/Likely pathogenic. Review status: criteria provided, multiple submitters, no conflicts (2 of 4 stars). 4 submissions from 3 submitters: Pathogenic (2); Likely pathogenic (2). Last evaluated 2025-12-16.

Conditions:
Hearing loss, autosomal dominant 83. Also called: Deafness, autosomal dominant 83. Identifiers: MedGen C5676951, MONDO:0030723, OMIM 619808.
Periventricular nodular heterotopia 9. Identifiers: MedGen C5394503, MONDO:0030061, OMIM 618918.

Submissions (4):

GeneDx
Classification: Pathogenic. Last evaluated: 2025-12-16. Review status: criteria provided, single submitter. Criteria: GeneDx Variant Classification Process June 2021. Collection method: clinical testing. Allele origin: germline. Affected: yes.
Comment: Not observed at significant frequency in large population cohorts (gnomAD); Has not been previously published as pathogenic or benign to our knowledge; Nonsense variant predicted to result in protein truncation or nonsense mediated decay in a gene for which loss of function is a known mechanism of disease

Baylor Genetics
Classification: Likely pathogenic for Hearing loss, autosomal dominant 83. Last evaluated: 2022-10-07. Review status: criteria provided, single submitter. Criteria: ACMG Guidelines, 2015. Collection method: clinical testing. Allele origin: unknown.

Baylor Genetics
Classification: Likely pathogenic for Periventricular nodular heterotopia 9. Last evaluated: 2022-10-07. Review status: criteria provided, single submitter. Criteria: ACMG Guidelines, 2015. Collection method: clinical testing. Allele origin: unknown.

Genetics Laboratory, UDIAT-Centre Diagnòstic, Hospital Universitari Parc Tauli
Classification: Pathogenic for Periventricular nodular heterotopia 9. Last evaluated: 2022-10-04. Review status: criteria provided, single submitter. Criteria: Parc Tauli Hospital Assertion Criteria 2021. Collection method: clinical testing. Allele origin: de novo. Inheritance: Autosomal dominant inheritance. Affected: yes.
Comment: PVS1;PM2_supporting;PM6

NM_005909.5(MAP1B):c.2995C>T (p.Arg999Ter)

Gene: MAP1B (microtubule associated protein 1B; plus strand). Cytogenetic location: 5q13.2.
Variant type: single nucleotide variant.
Coding change: c.2995C>T on transcript NM_005909.5 (MANE Select); coding-DNA position 2995, C replaced by T.
Protein change: p.Arg999Ter; replaces arginine 999 with a stop codon.
Molecular consequence: nonsense.
Genome position (GRCh38, 1-based): chr5:72,196,350, C>T. VCF-style: chr5-72196350-C-T. GRCh37 (hg19) VCF-style: chr5-71492177-C-T.
Other names: c.2995C>T (NM_005909.3); c.2617C>T, p.Arg873Ter (NM_001324255.2); short protein forms R873*, R999*.
Identifiers: ClinVar variation 1708214 (VCV001708214.7), dbSNP rs2478574299, ClinGen allele CA360009214.
Genomic context (GRCh38, chr5:72,196,350, plus strand): 5'-AAGGCGGAGGCTGATGCATACATCAGGGAGAAGAGGGAGTCTGTGGCCAGTGGGGATGAC[C>T]GAGCCGAAGAAGACATGGATGAGGCCATTGAGAAAGGAGAGGCTGAACAATCTGAAGAGG-3'